The following is an entry in ClinVar:

NM_018718.3(CEP41):c.*1931C>T

Gene: CEP41 (centrosomal protein 41; minus strand). Cytogenetic location: 7q32.2.
Variant type: single nucleotide variant.
Coding change: c.*1931C>T on transcript NM_018718.3 (MANE Select); 1931 bases downstream of the stop codon, C replaced by T.
Molecular consequence: 3 prime UTR variant. On other transcripts: non-coding transcript variant (1).
Genome position (GRCh38, 1-based): chr7:130,396,960, G>A on the plus strand (C>T on the coding strand, the complement: CEP41 is on the minus strand). VCF-style: chr7-130396960-G-A. GRCh37 (hg19) VCF-style: chr7-130036801-G-A.
Other names: c.*1931C>T (NM_001257158.2, NM_001257159.2).
Identifiers: ClinVar variation 358920 (VCV000358920.6), dbSNP rs17133175, ClinGen allele CA4485228.
Genomic context (GRCh38, chr7:130,396,960, plus strand): 5'-ACGATGGGAACGCAGAATCGGAACAAGGAGGGAAGACCATTTACTTTCAAAATAGAATCC[G>A]GCAGGGAAGTCTCAACTCCTGACAAGTCACCTTTAAAACAGCATAACCAGAACTTTCTTA-3'

ClinVar aggregate classification (germline): Benign. Review status: criteria provided, multiple submitters, no conflicts (2 of 4 stars). 2 submissions from 2 submitters: Benign (2). Last evaluated 2018-01-12.

Conditions:
Joubert syndrome 15 (JBTS15). Identifiers: Orphanet 475, MedGen C3280897, MONDO:0013763, OMIM 614464.

Allele frequency attached by ClinVar (database versions not stated): 1000 Genomes Project 0.14077; 1000 Genomes Project 30x 0.14163; TOPMed 0.15593; gnomAD exomes 0.15684 and 0.17828; ExAC 0.19305.

Submissions (2):

Illumina Laboratory Services, Illumina
Classification: Benign for Joubert syndrome 15. Last evaluated: 2018-01-12. Review status: criteria provided, single submitter. Criteria: ICSL Variant Classification Criteria 13 December 2019. Collection method: clinical testing. Allele origin: germline.
Comment: This variant was observed in the ICSL laboratory as part of a predisposition screen in an ostensibly healthy population. It had not been previously curated by ICSL or reported in the Human Gene Mutation Database (HGMD: prior to June 1st, 2018), and was therefore a candidate for classification through an automated scoring system. Utilizing variant allele frequency, disease prevalence and penetrance estimates, and inheritance mode, an automated score was calculated to assess if this variant is too frequent to cause the disease. Based on the score and internal cut-off values, a variant classified as benign is not then subjected to further curation. The score for this variant resulted in a classification of benign for this disease.

Breakthrough Genomics
Classification: Benign. Review status: criteria provided, single submitter. Criteria: ACMG Guidelines, 2015. Collection method: not provided. Allele origin: germline. Inheritance: Autosomal recessive inheritance. Affected: yes.